The following is an entry in ClinVar:

NM_001323289.2(CDKL5):c.745-3007_825+774del

Gene: CDKL5 (cyclin dependent kinase like 5; plus strand). Cytogenetic location: Xp22.13.
Variant type: Deletion.
Coding change: c.745-3007_825+774del on transcript NM_001323289.2 (MANE Select); 3007 bases into the intron before coding-DNA position 745 through 774 bases into the intron after coding-DNA position 825, 3,862 bases deleted.
Molecular consequence: splice acceptor variant, splice donor variant.
Genome position (GRCh38, 1-based): chrX:18,592,341-18,596,202, 3,862 bases deleted. GRCh37 (hg19): chrX:18,610,461-18,614,322.
Other names: c.745-3007_825+774del (NM_001037343.2, NM_003159.3).
Identifiers: ClinVar variation 1325527 (VCV001325527.1), ClinGen allele CA2573055197.

ClinVar aggregate classification (germline): Likely pathogenic (1 of 4 stars; one submission).

Conditions:
Developmental and epileptic encephalopathy, 2 (DEE2). Also called: INFANTILE SPASM SYNDROME, X-LINKED 2; CDKL5 deficiency disorder. Identifiers: Orphanet 1934, Orphanet 3451, Orphanet 505652, MedGen C4750718, MONDO:0010396, OMIM 300672.

Submission:

New York Genome Center
Classification: Likely pathogenic for Developmental and epileptic encephalopathy, 2. Last evaluated: 2020-06-11. Review status: criteria provided, single submitter. Criteria: NYGC Assertion Criteria 2020. Collection method: clinical testing. Allele origin: de novo. Observed: 1 heterozygote, 1 mosaic individual. Study: CSER-NYCKidSeq.
Comment: The c.745-3007_825+774del variant identified in CDKL5 is a de novo mosaic copy loss of coding exon 10 as well as the 5’ and 3’ flanking intronic sequences (3862bp). This 3.8 kb deletion is supported by 11 out of 51 sequence reads (21.6%) at the 5’ breakpoint and 10 out of 42 reads (23.8%) at the 3’ breakpoint suggesting that the deletion is mosaic in the peripheral blood. The deleted exon is present in all the CDKL5 Refseq coding transcripts. This small copy loss is predicted to lead to a deletion of 27 amino acids Phe249 to Lys275 which are part of the conserved protein kinase domain and loss of splice junctions flanking exon 10 which may alter splicing of the surrounding exons. The variant is absent from gnomAD, suggesting it is not a common benign variant in the populations represented in these databases. This variant is not identified in ClinVar, and to our current knowledge has not been identified in any affected individuals in the literature, however mosaic exonic deletions of CDKL5 have been described in affected females [PMID: 21293276; PMID: 24715584]. Given the predicted deleterious nature of this single-exon deletion and its absence in population databases, the c.745-3007_825+774del is reported here as Likely Pathogenic.